The following is an entry in ClinVar:

ClinVar aggregate classification (germline): Conflicting classifications of pathogenicity. Review status: criteria provided, conflicting classifications (1 of 4 stars). 3 submissions from 3 submitters: Uncertain significance (2); Likely benign (1). Last evaluated 2024-05-20.

Conditions:
Inborn genetic diseases. Identifiers: MedGen C0950123, MeSH D030342.
Baller-Gerold syndrome (BGS). Also called: CRANIOSYNOSTOSIS WITH RADIAL DEFECTS. Identifiers: Orphanet 1225, MedGen C0265308, MONDO:0009039, OMIM 218600.

Allele frequency attached by ClinVar (database versions not stated): ExAC 0.00001; gnomAD exomes 0.00001.

Submissions (3):

Labcorp Genetics (formerly Invitae), Labcorp
Classification: Uncertain significance for Baller-Gerold syndrome. Last evaluated: 2024-05-20. Review status: criteria provided, single submitter. Criteria: Invitae Variant Classification Sherloc (09022015). Collection method: clinical testing. Allele origin: germline.
Comment: This sequence change replaces alanine, which is neutral and non-polar, with threonine, which is neutral and polar, at codon 133 of the RECQL4 protein (p.Ala133Thr). This variant is present in population databases (rs773349575, gnomAD 0.007%). This variant has not been reported in the literature in individuals affected with RECQL4-related conditions. ClinVar contains an entry for this variant (Variation ID: 941399). Advanced modeling of protein sequence and biophysical properties (such as structural, functional, and spatial information, amino acid conservation, physicochemical variation, residue mobility, and thermodynamic stability) performed at Invitae indicates that this missense variant is not expected to disrupt RECQL4 protein function with a negative predictive value of 80%. In summary, the available evidence is currently insufficient to determine the role of this variant in disease. Therefore, it has been classified as a Variant of Uncertain Significance.

Ambry Genetics
Classification: Uncertain significance for Inborn genetic diseases. Last evaluated: 2023-12-27. Review status: criteria provided, single submitter. Criteria: Ambry Variant Classification Scheme 2023. Collection method: clinical testing. Allele origin: germline.

Blueprint Genetics
Classification: Likely benign. Last evaluated: 2023-02-02. Review status: criteria provided, single submitter. Criteria: ACMG Guidelines, 2015. Collection method: clinical testing. Allele origin: germline.

NM_004260.4(RECQL4):c.397G>A (p.Ala133Thr)

Gene: RECQL4 (RecQ like helicase 4; minus strand). Cytogenetic location: 8q24.3.
Variant type: single nucleotide variant.
Coding change: c.397G>A on transcript NM_004260.4 (MANE Select); coding-DNA position 397, G replaced by A.
Protein change: p.Ala133Thr; replaces alanine 133 with threonine.
Molecular consequence: missense variant.
Genome position (GRCh38, 1-based): chr8:144,516,722, C>T on the plus strand (G>A on the coding strand, the complement: RECQL4 is on the minus strand). VCF-style: chr8-144516722-C-T. GRCh37 (hg19) VCF-style: chr8-145742106-C-T.
Other names: short protein forms A133T.
Identifiers: ClinVar variation 941399 (VCV000941399.8), dbSNP rs773349575, ClinGen allele CA4949305.